The following is an entry in ClinVar:

NM_001195305.3(BBIP1):c.148_150dup (p.Leu50dup)

Gene: BBIP1 (BBSome interacting protein 1; minus strand). Cytogenetic location: 10q25.2.
Variant type: Duplication.
Coding change: c.148_150dup on transcript NM_001195305.3 (MANE Select); coding-DNA positions 148 to 150, 3 bases duplicated (CTG; older notation c.148_150dupCTG).
Protein change: p.Leu50dup; duplicates leucine 50.
Molecular consequence: inframe insertion.
Genome position (GRCh38, 1-based): chr10:110,900,489-110,900,491, CAG duplicated on the plus strand (CTG on the coding strand, the reverse complement: BBIP1 is on the minus strand); duplicating any 3 consecutive bases within chr10:110,900,489-110,900,493 gives the same sequence; the c. name uses the placement nearest the transcript's 3' end. VCF-style (leftmost placement, unchanged base first): chr10-110900488-A-ACAG. GRCh37 (hg19) VCF-style: chr10-112660246-A-ACAG.
Other names: c.305_307dup, p.Ala102dup (NM_001195304.2); c.148_150dup, p.Leu50dup (NM_001195306.2); c.73_75dup, p.Leu25dup (NM_001195307.2); c.82_84dup, p.Leu28dup (NM_001243783.3).
Identifiers: ClinVar variation 933603 (VCV000933603.10), dbSNP rs991079395, ClinGen allele CA213246711.

ClinVar aggregate classification (germline): Uncertain significance. Review status: criteria provided, multiple submitters, no conflicts (2 of 4 stars). 2 submissions from 2 submitters: Uncertain significance (2). Last evaluated 2025-12-01.

Conditions:
Bardet-Biedl syndrome 18 (BBS18). Identifiers: Orphanet 110, MedGen C3806174, MONDO:0014446, OMIM 615995.

Submissions (2):

Labcorp Genetics (formerly Invitae), Labcorp
Classification: Uncertain significance. Last evaluated: 2025-12-01. Review status: criteria provided, single submitter. Criteria: Invitae Variant Classification Sherloc (09022015). Collection method: clinical testing. Allele origin: germline.
Comment: This variant, c.148_150dup, results in the insertion of 1 amino acid(s) of the BBIP1 protein (p.Leu50dup), but otherwise preserves the integrity of the reading frame. This variant is present in population databases (no rsID available, gnomAD 0.01%). This variant has not been reported in the literature in individuals affected with BBIP1-related conditions. ClinVar contains an entry for this variant (Variation ID: 933603). Experimental studies and prediction algorithms are not available or were not evaluated, and the functional significance of this variant is currently unknown. In summary, the available evidence is currently insufficient to determine the role of this variant in disease. Therefore, it has been classified as a Variant of Uncertain Significance.

Fulgent Genetics
Classification: Uncertain significance for Bardet-Biedl syndrome 18. Last evaluated: 2021-08-15. Review status: criteria provided, single submitter. Criteria: ACMG Guidelines, 2015. Collection method: clinical testing. Allele origin: unknown.